The following is an entry in ClinVar:

NM_052867.4(NALCN):c.3064A>G (p.Ile1022Val)

Gene: NALCN (sodium leak channel, non-selective; minus strand). Cytogenetic location: 13q33.1.
Variant type: single nucleotide variant.
Coding change: c.3064A>G on transcript NM_052867.4 (MANE Select); coding-DNA position 3064, A replaced by G.
Protein change: p.Ile1022Val; replaces isoleucine 1022 with valine.
Molecular consequence: missense variant.
Genome position (GRCh38, 1-based): chr13:101,100,882, T>C on the plus strand (A>G on the coding strand, the complement: NALCN is on the minus strand). VCF-style: chr13-101100882-T-C. GRCh37 (hg19) VCF-style: chr13-101753233-T-C.
Other names: c.3064A>G, p.Ile1022Val (NM_001350749.2); c.2977A>G, p.Ile993Val (NM_001350750.2, NM_001350751.2); c.3151A>G, p.Ile1051Val (NM_001350748.2); short protein forms I1022V, I1051V, I993V.
Identifiers: ClinVar variation 520429 (VCV000520429.2), dbSNP rs1555381108, ClinGen allele CA388654881.
Genomic context (GRCh38, chr13:101,100,882, plus strand): 5'-TTCCAGCAAAAAGCTGAACTCCAAAGCTTGCAAAAACGAGCATTAATGTCAGCAAAAGAA[T>C]GGAGACCTGAAAGAAATTGATGAAATGTTAAATCTCTTGTTAAAGACTAAATATTAGGTT-3'
Protein context (NP_443099.1, residues 1012-1032): SGFKEIFLVS[Ile1022Val]LLLTLMLVFA

ClinVar aggregate classification (germline): Conflicting classifications of pathogenicity. Review status: criteria provided, conflicting classifications (1 of 4 stars). 2 submissions from 2 submitters: Likely pathogenic (1); Uncertain significance (1). Last evaluated 2023-02-23.

Conditions:
Congenital contractures of the limbs and face, hypotonia, and developmental delay (CLIFAHDD). Identifiers: Orphanet 562528, MedGen C4225398, MONDO:0014556, OMIM 616266.

Submissions (2):

3billion
Classification: Uncertain significance for Congenital contractures of the limbs and face, hypotonia, and developmental delay. Last evaluated: 2023-02-23. Review status: criteria provided, single submitter. Criteria: ACMG Guidelines, 2015. Collection method: clinical testing. Allele origin: unknown. Affected: yes.
Comment: The variant is not observed in the gnomAD v2.1.1 dataset. Missense changes are a common disease-causing mechanism. In silico tool predictions suggest damaging effect of the variant on gene or gene product (REVEL: 0.61; 3Cnet: 0.37). Same nucleotide change resulting in same amino acid change has been previously reported to be associated with autosomal dominant congenital contractures of the limbs and face, hypotonia, and developmental delay (ClinVar ID: VCV000520429). However, the evidence of pathogenicity is insufficient at this time. Therefore, this variant is classified as VUS according to the recommendation of ACMG/AMP guideline.

MVZ Martinsried, Medicover Genetics
Classification: Likely pathogenic for Congenital contractures of the limbs and face, hypotonia, and developmental delay. Last evaluated: 2018-03-22. Review status: criteria provided, single submitter. Criteria: ACMG Guidelines, 2015. Collection method: clinical testing. Allele origin: de novo. Affected: yes.